The following is an entry in ClinVar:

ClinVar aggregate classification (germline): Benign. Review status: criteria provided, single submitter (1 of 4 stars). 2 submissions from 2 submitters: Benign (1). 1 of the submissions does not count toward it. Last evaluated 2025-10-23.

Conditions:
ABL1-related disorder. Also called: ABL1-related condition.

Allele frequency attached by ClinVar (database versions not stated): gnomAD exomes 0.00001; ExAC 0.00002; gnomAD 0.00003; TOPMed 0.00009.

Submissions (2):

Labcorp Genetics (formerly Invitae), Labcorp
Classification: Benign. Last evaluated: 2025-10-23. Review status: criteria provided, single submitter. Criteria: Invitae Variant Classification Sherloc (09022015). Collection method: clinical testing. Allele origin: germline.

PreventionGenetics, part of Exact Sciences
Classification: Likely benign for ABL1-related condition. Last evaluated: 2019-08-20. Review status: no assertion criteria provided. Collection method: clinical testing. Allele origin: germline. Not counted in ClinVar's aggregate classification.
Comment: This variant is classified as likely benign based on ACMG/AMP sequence variant interpretation guidelines (Richards et al. 2015 PMID: 25741868, with internal and published modifications).

NM_005157.6(ABL1):c.1686G>T (p.Leu562=)

Gene: ABL1 (ABL proto-oncogene 1, non-receptor tyrosine kinase; plus strand). Cytogenetic location: 9q34.12.
Variant type: single nucleotide variant.
Coding change: c.1686G>T on transcript NM_005157.6 (MANE Select); coding-DNA position 1686, G replaced by T.
Protein change: p.Leu562=; no amino-acid change (leucine 562 retained).
Molecular consequence: synonymous variant.
Genome position (GRCh38, 1-based): chr9:130,883,976, G>T. VCF-style: chr9-130883976-G-T. GRCh37 (hg19) VCF-style: chr9-133759363-G-T.
Other names: c.1743G>T, p.Leu581= (NM_007313.3).
Identifiers: ClinVar variation 3053618 (VCV003053618.3), dbSNP rs544692729, ClinGen allele CA5285530.